The following is an entry in ClinVar:

NM_001042492.3(NF1):c.2410-1G>C

Gene: NF1 (neurofibromin 1; plus strand). Cytogenetic location: 17q11.2.
Variant type: single nucleotide variant.
Coding change: c.2410-1G>C on transcript NM_001042492.3 (MANE Select); the canonical splice acceptor site of the intron before coding-DNA position 2410, G replaced by C.
Molecular consequence: splice acceptor variant.
Genome position (GRCh38, 1-based): chr17:31,229,024, G>C. VCF-style: chr17-31229024-G-C. GRCh37 (hg19) VCF-style: chr17-29556042-G-C.
Other names: c.2410-1G>C (NM_000267.4).
Identifiers: ClinVar variation 586171 (VCV000586171.8), dbSNP rs1057518792, ClinGen allele CA398983793.

ClinVar aggregate classification (germline): Pathogenic/Likely pathogenic. Review status: criteria provided, multiple submitters, no conflicts (2 of 4 stars). 3 submissions from 3 submitters: Pathogenic (2); Likely pathogenic (1). Last evaluated 2025-05-30.

Conditions:
Cardiovascular phenotype. Identifiers: MedGen CN230736.
Hereditary cancer-predisposing syndrome. Also called: Neoplastic Syndromes, Hereditary; Hereditary Cancer Syndrome; Tumor predisposition; Hereditary neoplastic syndrome. Identifiers: Orphanet 140162, MedGen C0027672, MeSH D009386, MONDO:0015356.
Neurofibromatosis, type 1 (NF1). Also called: Peripheral type neurofibromatosis; VON RECKLINGHAUSEN DISEASE; NEUROFIBROMATOSIS, TYPE I, SOMATIC; Neurofibromatosis, type I. Identifiers: Orphanet 636, MedGen C0027831, MONDO:0018975, OMIM 162200. Disease mechanism: loss of function.

Submissions (3):

Labcorp Genetics (formerly Invitae), Labcorp
Classification: Pathogenic for Neurofibromatosis, type 1. Last evaluated: 2025-05-30. Review status: criteria provided, single submitter. Criteria: Invitae Variant Classification Sherloc (09022015). Collection method: clinical testing. Allele origin: germline.
Comment: This sequence change affects an acceptor splice site in intron 20 of the NF1 gene. RNA analysis indicates that disruption of this splice site induces altered splicing and may result in an absent or altered protein product. This variant is not present in population databases (gnomAD no frequency). Disruption of this splice site has been observed in individual(s) with clinical features of neurofibromatosis type 1 (PMID: 10543400, 23913538, 33443663; internal data). ClinVar contains an entry for this variant (Variation ID: 586171). Studies have shown that disruption of this splice site results in activation of cryptic splice sites, and produces a non-functional protein and/or introduces a premature termination codon (internal data). For these reasons, this variant has been classified as Pathogenic.

Ambry Genetics
Classification: Likely pathogenic for Cardiovascular phenotype; Hereditary cancer-predisposing syndrome. Last evaluated: 2025-01-13. Review status: criteria provided, single submitter. Criteria: Ambry Variant Classification Scheme 2023. Collection method: clinical testing. Allele origin: germline.
Comment: The c.2410-1G>C intronic variant results from a G to C substitution one nucleotide upstream from coding exon 21 of the NF1 gene. Alterations that disrupt the canonical splice site are expected to result in aberrant splicing. This variant was reported in individual(s) with features consistent with neurofibromatosis type 1 (Sabbagh A et al. Hum Mutat, 2013 Nov;34:1510-8). In silico splice site analysis predicts that this alteration will weaken the native splice acceptor site and will result in the creation or strengthening of a novel splice acceptor site. The resulting transcript is predicted to be in-frame and is not expected to trigger nonsense-mediated mRNAdecay; however, direct evidence is unavailable. The exact functional effect of the altered amino acid sequence is unknown; however, and the impacted region is critical for protein function (Ambry internal data). This variant is considered to be rare based on population cohorts in the Genome Aggregation Database (gnomAD). This nucleotide position is highly conserved in available vertebrate species. Based on the majority of available evidence to date, this variant is likely to be pathogenic.

Athena Diagnostics
Classification: Pathogenic. Last evaluated: 2017-08-30. Review status: criteria provided, single submitter. Criteria: Athena Diagnostics Criteria. Collection method: clinical testing. Allele origin: germline.

Literature cited by the submitters: PubMed 10543400 (cited by Labcorp Genetics (formerly Invitae), Labcorp); PubMed 23913538 (cited by 3 submitters); PubMed 33443663 (cited by Labcorp Genetics (formerly Invitae), Labcorp).